The following is an entry in ClinVar:

ClinVar aggregate classification (germline): Uncertain significance (1 of 4 stars; one submission).

Conditions:
Cardiovascular phenotype. Identifiers: MedGen CN230736.
Hereditary cancer-predisposing syndrome. Also called: Neoplastic Syndromes, Hereditary; Tumor predisposition; Hereditary Cancer Syndrome; Hereditary neoplastic syndrome. Identifiers: Orphanet 140162, MedGen C0027672, MeSH D009386, MONDO:0015356.

Submission:

Ambry Genetics
Classification: Uncertain significance for Cardiovascular phenotype; Hereditary cancer-predisposing syndrome. Last evaluated: 2026-05-13. Review status: criteria provided, single submitter. Criteria: Ambry Variant Classification Scheme 2023. Collection method: clinical testing. Allele origin: germline.
Comment: The p.Q832H variant (also known as c.2496G>C), located in coding exon 21 of the LZTR1 gene, results from a G to C substitution at nucleotide position 2496. The glutamine at codon 832 is replaced by histidine, an amino acid with highly similar properties. This amino acid position is highly conserved in available vertebrate species. In addition, this alteration is predicted to be tolerated by in silico analysis. Based on the available evidence, the clinical significance of this variant remains unclear.

NM_006767.4(LZTR1):c.2496G>C (p.Gln832His)

Gene: LZTR1 (leucine zipper like post translational regulator 1; plus strand). Cytogenetic location: 22q11.21.
Variant type: single nucleotide variant.
Coding change: c.2496G>C on transcript NM_006767.4 (MANE Select); coding-DNA position 2496, G replaced by C.
Protein change: p.Gln832His; replaces glutamine 832 with histidine.
Molecular consequence: missense variant.
Genome position (GRCh38, 1-based): chr22:20,997,321, G>C. VCF-style: chr22-20997321-G-C. GRCh37 (hg19) VCF-style: chr22-21351610-G-C.
Other names: short protein forms Q832H.
Identifiers: ClinVar variation 4859348 (VCV004859348.1).